The following is an entry in ClinVar:

ClinVar aggregate classification (germline): Likely benign. Review status: criteria provided, multiple submitters, no conflicts (2 of 4 stars). 4 submissions from 4 submitters: Likely benign (4). Last evaluated 2025-10-26.

Conditions:
Hereditary hemorrhagic telangiectasia (HHT). Also called: ORW DISEASE; Osler Weber Rendu syndrome; OSLER-RENDU-WEBER DISEASE; Osler hemorrhagic telangiectasia syndrome. Identifiers: Orphanet 774, MedGen C0039445, MONDO:0019180. Disease mechanism: loss of function.

Allele frequency attached by ClinVar (database versions not stated): gnomAD 0.00005; TOPMed 0.00005; ExAC 0.00006; gnomAD exomes 0.00006 and 0.00007.
gnomAD v4.1: 103 of 1,608,404 alleles (0.0064%); highest among the groups gnomAD compares: African/African-American, 0.013%; no homozygotes.

Submissions (4):

Labcorp Genetics (formerly Invitae), Labcorp
Classification: Likely benign for Hereditary hemorrhagic telangiectasia. Last evaluated: 2025-10-26. Review status: criteria provided, single submitter. Criteria: Invitae Variant Classification Sherloc (09022015). Collection method: clinical testing. Allele origin: germline.

CeGaT Center for Human Genetics Tuebingen
Classification: Likely benign. Last evaluated: 2025-10-01. Review status: criteria provided, single submitter. Criteria: CeGaT Center For Human Genetics Tuebingen Variant Classification Criteria Version 2. Collection method: clinical testing. Allele origin: germline. Affected: yes. Observed: 2 variant alleles.
Comment: ENG: BP4

Blueprint Genetics
Classification: Likely benign. Last evaluated: 2024-05-07. Review status: criteria provided, single submitter. Criteria: ACMG Guidelines, 2015. Collection method: clinical testing. Allele origin: germline.

PreventionGenetics, part of Exact Sciences
Classification: Likely benign. Review status: criteria provided, single submitter. Criteria: ACMG Guidelines, 2015. Collection method: clinical testing. Allele origin: germline.

NM_001114753.3(ENG):c.1273-4G>A

Genes: ENG (endoglin; minus strand), LOC102723566 (uncharacterized LOC102723566; plus strand). Cytogenetic location: 9q34.11.
Variant type: single nucleotide variant.
Coding change: c.1273-4G>A on transcript NM_001114753.3 (MANE Select); 4 bases into the intron before coding-DNA position 1273, G replaced by A.
Molecular consequence: intron variant.
Genome position (GRCh38, 1-based): chr9:127,819,664, C>T on the plus strand (G>A on the coding strand, the complement: ENG is on the minus strand). VCF-style: chr9-127819664-C-T. GRCh37 (hg19) VCF-style: chr9-130581943-C-T.
Other names: c.1273-4G>A (NM_000118.4); c.727-4G>A (NM_001278138.2).
Identifiers: ClinVar variation 237017 (VCV000237017.40), dbSNP rs373308042, ClinGen allele CA5252823.